The following is an entry in ClinVar:

ClinVar aggregate classification (germline): Conflicting classifications of pathogenicity. Review status: criteria provided, conflicting classifications (1 of 4 stars). 2 submissions from 2 submitters: Uncertain significance (1); Benign (1). Last evaluated 2026-07-29.

Conditions:
ZNF469-related disorder. Also called: ZNF469-related condition.
Cardiovascular phenotype. Identifiers: MedGen CN230736.

Allele frequency attached by ClinVar (database versions not stated): TOPMed below 0.00001; ExAC 0.00006; 1000 Genomes Project 30x 0.00031.
gnomAD v4.1: 15 of 1,550,398 alleles (0.00097%); highest among the groups gnomAD compares: East Asian, 0.032%; no homozygotes.

Submissions (2):

PreventionGenetics, part of Exact Sciences
Classification: Uncertain significance for ZNF469-related condition. Last evaluated: 2026-07-29. Review status: criteria provided, single submitter. Criteria: ACMG Guidelines, 2015. Collection method: clinical testing. Allele origin: germline.
Comment: The ZNF469 c.5404G>T variant is predicted to result in the amino acid substitution p.Ala1802Ser. To our knowledge, this variant has not been reported in the literature. This variant is reported in 0.064% of alleles in individuals of East Asian descent in gnomAD. Although we suspect that this variant may be benign, at this time, the clinical significance of this variant is uncertain due to the absence of conclusive functional and genetic evidence.

Ambry Genetics
Classification: Benign for Cardiovascular phenotype. Last evaluated: 2026-05-20. Review status: criteria provided, single submitter. Criteria: Ambry Variant Classification Scheme 2023. Collection method: clinical testing. Allele origin: germline.

NM_001367624.2(ZNF469):c.5488G>T (p.Ala1830Ser)

Gene: ZNF469 (zinc finger protein 469; plus strand). Cytogenetic location: 16q24.2.
Variant type: single nucleotide variant.
Coding change: c.5488G>T on transcript NM_001367624.2 (MANE Select); coding-DNA position 5488, G replaced by T.
Protein change: p.Ala1830Ser; replaces alanine 1830 with serine.
Molecular consequence: missense variant.
Genome position (GRCh38, 1-based): chr16:88,432,958, G>T. VCF-style: chr16-88432958-G-T. GRCh37 (hg19) VCF-style: chr16-88499366-G-T.
Other names: NM_001127464.1:c.5404G>T; NM_001127464.2:c.5404G>T; short protein forms A1830S.
Identifiers: ClinVar variation 4866957 (VCV004866957.2), dbSNP rs778548266.